The following is an entry in ClinVar:

NM_182914.3(SYNE2):c.13281-4A>G

Gene: SYNE2 (spectrin repeat containing nuclear envelope protein 2; plus strand). Cytogenetic location: 14q23.2.
Variant type: single nucleotide variant.
Coding change: c.13281-4A>G on transcript NM_182914.3 (MANE Select); 4 bases into the intron before coding-DNA position 13281, A replaced by G.
Molecular consequence: intron variant.
Genome position (GRCh38, 1-based): chr14:64,122,282, A>G. VCF-style: chr14-64122282-A-G. GRCh37 (hg19) VCF-style: chr14-64589000-A-G.
Other names: c.13281-4A>G (NM_015180.6).
Identifiers: ClinVar variation 1046754 (VCV001046754.8), dbSNP rs369446724, ClinGen allele CA7222401.
Genomic context (GRCh38, chr14:64,122,282, plus strand): 5'-TGTGAATGTAATACAAAATGTTTAGTGTTGATTATTCTCTTCACCTTTTGTTCTTCTTCA[A>G]AAGCAACCAGGCATCCAGCCCTGAAAATGACGTTCCAGACTCGATCTTGTCACCCCAGGG-3'

ClinVar aggregate classification (germline): Uncertain significance (1 of 4 stars; one submission).

Conditions:
Emery-Dreifuss muscular dystrophy 5, autosomal dominant (EDMD5). Also called: EMERY-DREIFUSS MUSCULAR DYSTROPHY 5. Identifiers: Orphanet 261, MedGen C2751805, MONDO:0013072, OMIM 612999.

Allele frequency attached by ClinVar (database versions not stated): gnomAD exomes 0.00002; ExAC 0.00003; gnomAD 0.00011 and 0.00012; TOPMed 0.00014; ESP Exome Variant Server 0.00023.
gnomAD v4.1: 53 of 1,614,222 alleles (0.0033%); highest among the groups gnomAD compares: African/African-American, 0.039%; no homozygotes.

Submission:

Labcorp Genetics (formerly Invitae), Labcorp
Classification: Uncertain significance for Emery-Dreifuss muscular dystrophy 5, autosomal dominant. Last evaluated: 2025-11-09. Review status: criteria provided, single submitter. Criteria: Invitae Variant Classification Sherloc (09022015). Collection method: clinical testing. Allele origin: germline.
Comment: This sequence change falls in intron 69 of the SYNE2 gene. It does not directly change the encoded amino acid sequence of the SYNE2 protein. This variant is present in population databases (rs369446724, gnomAD 0.03%). This variant has not been reported in the literature in individuals affected with SYNE2-related conditions. ClinVar contains an entry for this variant (Variation ID: 1046754). Algorithms developed to predict the effect of sequence changes on RNA splicing suggest that this variant may disrupt the consensus splice site. In summary, the available evidence is currently insufficient to determine the role of this variant in disease. Therefore, it has been classified as a Variant of Uncertain Significance.